The following is an entry in ClinVar:

NM_000059.4(BRCA2):c.2428A>G (p.Thr810Ala)

Gene: BRCA2 (BRCA2 DNA repair associated; plus strand). Cytogenetic location: 13q13.1.
Variant type: single nucleotide variant.
Coding change: c.2428A>G on transcript NM_000059.4 (MANE Select); coding-DNA position 2428, A replaced by G.
Protein change: p.Thr810Ala; replaces threonine 810 with alanine.
Molecular consequence: missense variant.
Genome position (GRCh38, 1-based): chr13:32,336,783, A>G. VCF-style: chr13-32336783-A-G. GRCh37 (hg19) VCF-style: chr13-32910920-A-G.
Other names: 2656A>G; short protein forms T810A.
Identifiers: ClinVar variation 51281 (VCV000051281.19), dbSNP rs80358508, ClinGen allele CA015228.

ClinVar aggregate classification (germline): Conflicting classifications of pathogenicity. Review status: criteria provided, conflicting classifications (1 of 4 stars). 9 submissions from 9 submitters: Uncertain significance (3); Likely benign (1). 5 of the submissions do not count toward it. Last evaluated 2025-08-24.

Conditions:
Hereditary cancer-predisposing syndrome. Also called: Neoplastic Syndromes, Hereditary; Tumor predisposition; Hereditary Cancer Syndrome; Hereditary neoplastic syndrome. Identifiers: Orphanet 140162, MedGen C0027672, MeSH D009386, MONDO:0015356.
Hereditary breast ovarian cancer syndrome. Also called: Hereditary breast and ovarian cancer syndrome; Hereditary breast and ovarian cancer; Hereditary breast and ovarian cancer syndrome (HBOC); Breast and ovarian cancer; Hereditary breast and/or ovarian cancer syndrome; BRCA1- and BRCA2-Associated Hereditary Breast and Ovarian Cancer. Identifiers: Orphanet 145, MedGen C0677776, MeSH D061325, MONDO:0003582. Disease mechanism: loss of function.
BRCA2-related disorder. Also called: BRCA2-related condition; BRCA2-related disorders. Identifiers: MedGen CN239275.
Breast-ovarian cancer, familial, susceptibility to, 2 (BROVCA2). Also called: BRCA2 Hereditary Breast and Ovarian Cancer. Identifiers: Orphanet 145, MedGen C2675520, MONDO:0012933, OMIM 612555. Disease mechanism: loss of function.
Endometrial carcinoma. Also called: Endometrial carcinoma, somatic. Identifiers: MedGen C0476089, MONDO:0002447, OMIM 608089, HP:0012114.

Allele frequency attached by ClinVar (database versions not stated): TOPMed below 0.00001; gnomAD 0.00001.
gnomAD v4.1: 1 of 1,609,320 alleles (0.000062%); highest among the groups gnomAD compares: Admixed American, 0.0017%; no homozygotes.

Submissions (9):

Labcorp Genetics (formerly Invitae), Labcorp
Classification: Uncertain significance for Hereditary breast ovarian cancer syndrome. Last evaluated: 2025-08-24. Review status: criteria provided, single submitter. Criteria: Invitae Variant Classification Sherloc (09022015). Collection method: clinical testing. Allele origin: germline.
Comment: This sequence change replaces threonine, which is neutral and polar, with alanine, which is neutral and non-polar, at codon 810 of the BRCA2 protein (p.Thr810Ala). This variant is not present in population databases (gnomAD no frequency). This variant has not been reported in the literature in individuals affected with BRCA2-related conditions. ClinVar contains an entry for this variant (Variation ID: 51281). Invitae Evidence Modeling of protein sequence and biophysical properties (such as structural, functional, and spatial information, amino acid conservation, physicochemical variation, residue mobility, and thermodynamic stability) indicates that this missense variant is not expected to disrupt BRCA2 protein function with a negative predictive value of 95%. In summary, the available evidence is currently insufficient to determine the role of this variant in disease. Therefore, it has been classified as a Variant of Uncertain Significance.

Ambry Genetics
Classification: Uncertain significance for Hereditary cancer-predisposing syndrome. Last evaluated: 2025-07-16. Review status: criteria provided, single submitter. Criteria: Ambry Variant Classification Scheme 2023. Collection method: clinical testing. Allele origin: germline.
Comment: The p.T810A variant (also known as c.2428A>G), located in coding exon 10 of the BRCA2 gene, results from an A to G substitution at nucleotide position 2428. The threonine at codon 810 is replaced by alanine, an amino acid with similar properties. This variant was observed in 1/3251 individuals who met eligibility criteria for hereditary breast and ovarian cancer syndrome (Lerner-Ellis J et al. J Cancer Res Clin Oncol, 2021 Mar;147:871-879). This amino acid position is not well conserved in available vertebrate species. In addition, this alteration is predicted to be tolerated by in silico analysis. Based on the available evidence, the clinical significance of this variant remains unclear.

University of Washington Department of Laboratory Medicine, University of Washington
Classification: Likely benign for Hereditary cancer-predisposing syndrome. Last evaluated: 2023-03-23. Review status: criteria provided, single submitter. Criteria: Dines et al. (Genet Med. 2020). Collection method: curation. Allele origin: germline.
Comment: Missense variant in a coldspot region where missense variants are very unlikely to be pathogenic (PMID:31911673).

BRCA2 exon 11 coldspot. Reclassification based on statistical prior probability.

Quest Diagnostics Nichols Institute San Juan Capistrano
Classification: Uncertain significance. Last evaluated: 2016-11-25. Review status: criteria provided, single submitter. Criteria: Quest Diagnostics criteria. Collection method: clinical testing. Allele origin: germline.

PreventionGenetics, part of Exact Sciences
Classification: Uncertain significance for BRCA2-related condition. Last evaluated: 2024-03-26. Review status: no assertion criteria provided. Collection method: clinical testing. Allele origin: germline. Not counted in ClinVar's aggregate classification.
Comment: The BRCA2 c.2428A>G variant is predicted to result in the amino acid substitution p.Thr810Ala. This variant has been reported in an individual with endometrial cancer (Supplemental File S1, Lerner-Ellis et al. 2020. PubMed ID: 32885271). This variant has not been reported in a large population database, indicating this variant is rare. In ClinVar, this variant is interpreted as uncertain significance and likely benign by other institutions. This variant occurs within a region of the BRCA2 gene that is predicted to be tolerant to missense variation (Table 2, Dines et al. 2020. PubMed ID: 31911673). At this time, the clinical significance of this variant is uncertain due to the absence of conclusive functional and genetic evidence.

Counsyl
Classification: Uncertain significance for Breast-ovarian cancer, familial, susceptibility to, 2. Last evaluated: 2017-01-03. Review status: no assertion criteria provided. Collection method: clinical testing. Allele origin: unknown. Not counted in ClinVar's aggregate classification.

Sharing Clinical Reports Project (SCRP)
Classification: Uncertain significance for Breast-ovarian cancer, familial 2. Last evaluated: 2011-08-15. Review status: no assertion criteria provided. Collection method: clinical testing. Allele origin: germline. Not counted in ClinVar's aggregate classification.

Breast Cancer Information Core (BIC) (BRCA2)
Classification: Uncertain significance for Breast-ovarian cancer, familial 2. Last evaluated: 1998-11-30. Review status: no assertion criteria provided. Collection method: clinical testing. Allele origin: germline. Affected: yes. Observed: 1 variant allele. Not counted in ClinVar's aggregate classification.

Department of Pathology and Laboratory Medicine, Sinai Health System
Classification: Uncertain significance for Endometrial carcinoma. Review status: no assertion criteria provided. Collection method: clinical testing. Allele origin: unknown. Affected: yes. Observed: 1 variant allele. Study: The Canadian Open Genetics Repository (COGR). Not counted in ClinVar's aggregate classification.
Comment: The BRCA2 p.Thr810Ala variant was not identified in the literature nor was it identified in the following databases: Cosmic, MutDB, LOVD 3.0, UMD-LSDB, ARUP Laboratories, or Zhejiang Colon Cancer Database. The variant was identified in dbSNP (ID: rs80358508) as "With Uncertain significance allele", ClinVar (3x, uncertain significance), Clinvitae (2x, uncertain significance), and BIC Database (1x). The variant was not identified in the following control databases: the 1000 Genomes Project, the NHLBI GO Exome Sequencing Project, the Exome Aggregation Consortium (August 8th 2016), or the Genome Aggregation Database (Feb 27, 2017). The p.Thr810 residue is not conserved in mammals and computational analyses (PolyPhen-2, SIFT, AlignGVGD, BLOSUM, MutationTaster) do not suggest a high likelihood of impact to the protein; however, this information is not predictive enough to rule out pathogenicity. The variant occurs outside of the splicing consensus sequence and 2 of 5 in silico or computational prediction software programs (SpliceSiteFinder, MaxEntScan, NNSPLICE, GeneSplicer, HumanSpliceFinder) predict a greater than 10% difference in splicing; this is not very predictive of pathogenicity. In summary, based on the above information the clinical significance of this variant cannot be determined with certainty at this time. This variant is classified as a variant of uncertain significance.

Literature cited by the submitters: PubMed 32885271 (cited by Ambry Genetics).